The following is an entry in ClinVar:

ClinVar aggregate classification (germline): Benign/Likely benign. Review status: criteria provided, multiple submitters, no conflicts (2 of 4 stars). 3 submissions from 3 submitters: Benign (1); Likely benign (2). Last evaluated 2024-05-08.

Conditions:
Familial cancer of breast. Also called: Hereditary breast cancer; BREAST CANCER, FAMILIAL; hereditary breast carcinoma. Identifiers: Orphanet 227535, MedGen C0346153, MONDO:0016419, OMIM 114480. Disease mechanism: loss of function.
Hereditary cancer-predisposing syndrome. Also called: Hereditary Cancer Syndrome; Neoplastic Syndromes, Hereditary; Tumor predisposition; Hereditary neoplastic syndrome. Identifiers: Orphanet 140162, MedGen C0027672, MeSH D009386, MONDO:0015356.

gnomAD v4.1: 2 of 1,613,844 alleles (0.00012%); highest among the groups gnomAD compares: East Asian, 0.0022%; no homozygotes.

Submissions (3):

Myriad Genetics, Inc.
Classification: Benign for Familial cancer of breast. Last evaluated: 2024-05-08. Review status: criteria provided, single submitter. Criteria: Myriad Autosomal Dominant, Autosomal Recessive and X-Linked Classification Criteria (2023). Collection method: clinical testing. Allele origin: unknown.
Comment: This variant is considered benign. This variant is a silent/synonymous amino acid change and it is not expected to impact splicing.

Ambry Genetics
Classification: Likely benign for Hereditary cancer-predisposing syndrome. Last evaluated: 2017-10-18. Review status: criteria provided, single submitter. Criteria: Ambry Variant Classification Scheme 2023. Collection method: clinical testing. Allele origin: germline.

Color Diagnostics, LLC DBA Color Health
Classification: Likely benign for Hereditary cancer-predisposing syndrome. Last evaluated: 2016-09-06. Review status: criteria provided, single submitter. Criteria: ACMG Guidelines, 2015. Collection method: clinical testing. Allele origin: germline.

NM_000051.4(ATM):c.2418G>A (p.Leu806=)

Gene: ATM (ATM serine/threonine kinase; plus strand). Cytogenetic location: 11q22.3.
Variant type: single nucleotide variant.
Coding change: c.2418G>A on transcript NM_000051.4 (MANE Select); coding-DNA position 2418, G replaced by A.
Protein change: p.Leu806=; no amino-acid change (leucine 806 retained).
Molecular consequence: synonymous variant.
Genome position (GRCh38, 1-based): chr11:108,259,027, G>A. VCF-style: chr11-108259027-G-A. GRCh37 (hg19) VCF-style: chr11-108129754-G-A.
Other names: c.2418G>A, p.Leu806= (NM_001351834.2).
Identifiers: ClinVar variation 490470 (VCV000490470.6), dbSNP rs587781296, ClinGen allele CA476672883.
Genomic context (GRCh38, chr11:108,259,027, plus strand): 5'-TTGTTTGTCTTAATTGCAGAAGAGTCCAAATAAGATTGCATCTGGCTTTTTCCTGCGATT[G>A]TTAACATCAAAGCTAATGAATGACATTGCAGATATTTGTAAAAGTTTAGTAAGTATGCTT-3'
Protein context (NP_000042.3, residues 796-816): NKIASGFFLR[Leu806=]LTSKLMNDIA